The following is an entry in ClinVar:

ClinVar aggregate classification (germline): Uncertain significance (1 of 4 stars; one submission).

Submission:

Labcorp Genetics (formerly Invitae), Labcorp
Classification: Uncertain significance. Last evaluated: 2025-12-15. Review status: criteria provided, single submitter. Criteria: Invitae Variant Classification Sherloc (09022015). Collection method: clinical testing. Allele origin: germline.
Comment: This sequence change replaces glycine, which is neutral and non-polar, with glutamic acid, which is acidic and polar, at codon 140 of the MNX1 protein (p.Gly140Glu). The frequency data for this variant in the population databases is considered unreliable, as metrics indicate insufficient coverage at this position in the gnomAD database. This variant has not been reported in the literature in individuals affected with MNX1-related conditions. Invitae Evidence Modeling of protein sequence and biophysical properties (such as structural, functional, and spatial information, amino acid conservation, physicochemical variation, residue mobility, and thermodynamic stability) indicates that this missense variant is not expected to disrupt MNX1 protein function with a negative predictive value of 80%. In summary, the available evidence is currently insufficient to determine the role of this variant in disease. Therefore, it has been classified as a Variant of Uncertain Significance.

NM_005515.4(MNX1):c.419G>A (p.Gly140Glu)

Genes: MNX1 (motor neuron and pancreas homeobox 1; minus strand), LOC129999736 (ATAC-STARR-seq lymphoblastoid silent region 18858; plus strand). Cytogenetic location: 7q36.3.
Variant type: single nucleotide variant.
Coding change: c.419G>A on transcript NM_005515.4 (MANE Select); coding-DNA position 419, G replaced by A.
Protein change: p.Gly140Glu; replaces glycine 140 with glutamic acid.
Molecular consequence: missense variant.
Genome position (GRCh38, 1-based): chr7:157,009,932, C>T on the plus strand (G>A on the coding strand, the complement: MNX1 is on the minus strand). VCF-style: chr7-157009932-C-T. GRCh37 (hg19) VCF-style: chr7-156802626-C-T.
Other names: short protein forms G140E.
Identifiers: ClinVar variation 4761542 (VCV004761542.1).